The following is an entry in ClinVar:

NM_000395.3(CSF2RB):c.2272C>G (p.Pro758Ala)

Gene: CSF2RB (colony stimulating factor 2 receptor subunit beta; plus strand). Cytogenetic location: 22q12.3.
Variant type: single nucleotide variant.
Coding change: c.2272C>G on transcript NM_000395.3 (MANE Select); coding-DNA position 2272, C replaced by G.
Protein change: p.Pro758Ala; replaces proline 758 with alanine.
Molecular consequence: missense variant.
Genome position (GRCh38, 1-based): chr22:36,938,080, C>G. VCF-style: chr22-36938080-C-G. GRCh37 (hg19) VCF-style: chr22-37334122-C-G.
Other names: c.2290C>G, p.Pro764Ala (NM_001410827.1); short protein forms P764A, P758A.
Identifiers: ClinVar variation 2841605 (VCV002841605.3), dbSNP rs1439773808, ClinGen allele CA411411169.
Genomic context (GRCh38, chr22:36,938,080, plus strand): 5'-TCAGACCAGACCCCCAGCTTATGTCCTGGGCTGGCCAGTGGACCCCCTGGAGCCCCAGGC[C>G]CTGTGAAGTCAGGGTTTGAGGGCTATGTGGAGCTCCCTCCAATTGAGGGCCGGTCCCCCA-3'
Protein context (NP_000386.1, residues 748-768): LASGPPGAPG[Pro758Ala]VKSGFEGYVE

ClinVar aggregate classification (germline): Uncertain significance (1 of 4 stars; one submission).

Submission:

Labcorp Genetics (formerly Invitae), Labcorp
Classification: Uncertain significance. Last evaluated: 2023-09-15. Review status: criteria provided, single submitter. Criteria: Invitae Variant Classification Sherloc (09022015). Collection method: clinical testing. Allele origin: germline.
Comment: In summary, the available evidence is currently insufficient to determine the role of this variant in disease. Therefore, it has been classified as a Variant of Uncertain Significance. Advanced modeling of protein sequence and biophysical properties (such as structural, functional, and spatial information, amino acid conservation, physicochemical variation, residue mobility, and thermodynamic stability) performed at Invitae indicates that this missense variant is not expected to disrupt CSF2RB protein function. This variant has not been reported in the literature in individuals affected with CSF2RB-related conditions. This variant is not present in population databases (gnomAD no frequency). This sequence change replaces proline, which is neutral and non-polar, with alanine, which is neutral and non-polar, at codon 758 of the CSF2RB protein (p.Pro758Ala).